The following is an entry in ClinVar:

NM_000474.4(TWIST1):c.508dup (p.Ser170fs)

Genes: TWIST1 (twist family bHLH transcription factor 1; minus strand), LOC129998021 (ATAC-STARR-seq lymphoblastoid active region 25682; plus strand). Cytogenetic location: 7p21.1.
Variant type: Duplication.
Coding change: c.508dup on transcript NM_000474.4 (MANE Select); coding-DNA position 508, one base duplicated (T; older notation c.508dupT).
Protein change: p.Ser170fs; shifts the reading frame from serine 170.
Molecular consequence: frameshift variant. On other transcripts: non-coding transcript variant (1).
Genome position (GRCh38, 1-based): chr7:19,116,814, A duplicated on the plus strand (T on the coding strand, the reverse complement: TWIST1 is on the minus strand). VCF-style (leftmost placement, unchanged base first): chr7-19116813-G-GA. GRCh37 (hg19) VCF-style: chr7-19156436-G-GA.
Other names: short protein forms S170fs.
Identifiers: ClinVar variation 1031586 (VCV001031586.1), dbSNP rs1788578357, ClinGen allele CA1692250309.
Genomic context (GRCh38, chr7:19,116,813, plus strand): 5'-CAGACCGAGAAGGCGTAGCTGAGCCGCTCGTGAGCCACATAGCTGCAGCTTGCCATCTTG[G>GA]AGTCCAGCTCGTCGCTCTGGAGGACCTGGTAGAGGAAGTCGATGTACCTGGCCGCCAGCT-3'

ClinVar aggregate classification (germline): Pathogenic (1 of 4 stars; one submission).

Conditions:
Robinow-Sorauf syndrome. Also called: ACROCEPHALOSYNDACTYLY, ROBINOW-SORAUF TYPE; CRANIOSYNOSTOSIS-BIFID HALLUX SYNDROME. Identifiers: MedGen C1867146, MONDO:0008391, OMIM 180750.

Submission:

Baylor Genetics
Classification: Pathogenic for Robinow-Sorauf syndrome. Last evaluated: 2018-08-21. Review status: criteria provided, single submitter. Criteria: ACMG Guidelines, 2015. Collection method: clinical testing. Allele origin: de novo. Affected: yes.
Comment: This variant was determined to be pathogenic according to ACMG Guidelines, 2015 [PMID:25741868].